The following is an entry in ClinVar:

ClinVar aggregate classification (germline): Uncertain significance. Review status: criteria provided, multiple submitters, no conflicts (2 of 4 stars). 2 submissions from 2 submitters: Uncertain significance (2). Last evaluated 2023-10-06.

Conditions:
Malignant hyperthermia, susceptibility to, 1 (MHS1). Also called: Malignant hyperthermia suceptibility 1; Anesthesia related hyperthermia; Malignant hyperpyrexia; Fulminating hyperpyrexia; Pharmacogenic myopathy; RYR1-Related Malignant Hyperthermia Susceptibility. Identifiers: Orphanet 423, MedGen C2930980, MONDO:0007783, OMIM 145600.

Allele frequency attached by ClinVar (database versions not stated): gnomAD exomes below 0.00001.
gnomAD v4.1: 1 of 1,613,448 alleles (0.000062%); highest among the groups gnomAD compares: East Asian, 0.0022%; no homozygotes.

Submissions (2):

All of Us Research Program, National Institutes of Health
Classification: Uncertain significance for Malignant hyperthermia, susceptibility to, 1. Last evaluated: 2023-10-06. Review status: criteria provided, single submitter. Criteria: ACMG Guidelines, 2015. Collection method: clinical testing. Allele origin: germline. Inheritance: Autosomal dominant inheritance. Observed: 1 variant allele, 1 heterozygote.
Comment: This missense variant replaces alanine with threonine at codon 2277 of the RYR1 protein. Computational prediction suggests that this variant may have deleterious impact on protein structure and function (internally defined REVEL score threshold >= 0.7, PMID: 27666373). To our knowledge, functional studies have not been reported for this variant. This variant has not been reported in individuals affected with RYR1-related disorders in the literature. This variant has not been identified in the general population by the Genome Aggregation Database (gnomAD). The available evidence is insufficient to determine the role of this variant in disease conclusively. Therefore, this variant is classified as a Variant of Uncertain Significance.

This study involves interpretation of variants in research participants for the purpose of population health screening. Participant phenotype was not available at the time of variant classification. Additional details can be found in publication PMID: 35346344, PMCID: PMC8962531

Blueprint Genetics
Classification: Uncertain significance. Last evaluated: 2020-08-17. Review status: criteria provided, single submitter. Criteria: ACMG Guidelines, 2015. Collection method: clinical testing. Allele origin: germline.

NM_000540.3(RYR1):c.6829G>A (p.Ala2277Thr)

Gene: RYR1 (ryanodine receptor 1; plus strand). Cytogenetic location: 19q13.2.
Variant type: single nucleotide variant.
Coding change: c.6829G>A on transcript NM_000540.3 (MANE Select); coding-DNA position 6829, G replaced by A.
Protein change: p.Ala2277Thr; replaces alanine 2277 with threonine.
Molecular consequence: missense variant.
Genome position (GRCh38, 1-based): chr19:38,496,892, G>A. VCF-style: chr19-38496892-G-A. GRCh37 (hg19) VCF-style: chr19-38987532-G-A.
Other names: c.6829G>A, p.Ala2277Thr (NM_001042723.2); short protein forms A2277T.
Identifiers: ClinVar variation 3073834 (VCV003073834.2), dbSNP rs2514294463, ClinGen allele CA405666513.